The following is an entry in ClinVar:

NM_005045.4(RELN):c.7063G>T (p.Val2355Phe)

Gene: RELN (reelin; minus strand). Cytogenetic location: 7q22.1.
Variant type: single nucleotide variant.
Coding change: c.7063G>T on transcript NM_005045.4 (MANE Select); coding-DNA position 7063, G replaced by T.
Protein change: p.Val2355Phe; replaces valine 2355 with phenylalanine.
Molecular consequence: missense variant.
Genome position (GRCh38, 1-based): chr7:103,539,195, C>A on the plus strand (G>T on the coding strand, the complement: RELN is on the minus strand). VCF-style: chr7-103539195-C-A. GRCh37 (hg19) VCF-style: chr7-103179642-C-A.
Other names: c.7063G>T, p.Val2355Phe (NM_173054.3); short protein forms V2355F.
Identifiers: ClinVar variation 955167 (VCV000955167.9), dbSNP rs1442114983, ClinGen allele CA368769230.

ClinVar aggregate classification (germline): Uncertain significance (1 of 4 stars; one submission).

Conditions:
Norman-Roberts syndrome (LIS2). Also called: Lissencephaly 2 (Norman-Roberts type). Identifiers: Orphanet 89844, MedGen C0796089, MONDO:0009760, OMIM 257320.
Familial temporal lobe epilepsy 7. Identifiers: Orphanet 101046, MedGen C4225327, MONDO:0014639, OMIM 616436.

Allele frequency attached by ClinVar (database versions not stated): gnomAD exomes below 0.00001; TOPMed below 0.00001.
gnomAD v4.1: 5 of 1,614,232 alleles (0.00031%); highest among the groups gnomAD compares: Non-Finnish European, 0.00034%; no homozygotes.

Submission:

Labcorp Genetics (formerly Invitae), Labcorp
Classification: Uncertain significance for Familial temporal lobe epilepsy 7; Norman-Roberts syndrome. Last evaluated: 2024-03-28. Review status: criteria provided, single submitter. Criteria: Invitae Variant Classification Sherloc (09022015). Collection method: clinical testing. Allele origin: germline.
Comment: This sequence change replaces valine, which is neutral and non-polar, with phenylalanine, which is neutral and non-polar, at codon 2355 of the RELN protein (p.Val2355Phe). This variant is present in population databases (no rsID available, gnomAD 0.0009%). This variant has not been reported in the literature in individuals affected with RELN-related conditions. ClinVar contains an entry for this variant (Variation ID: 955167). Advanced modeling of protein sequence and biophysical properties (such as structural, functional, and spatial information, amino acid conservation, physicochemical variation, residue mobility, and thermodynamic stability) performed at Invitae indicates that this missense variant is not expected to disrupt RELN protein function with a negative predictive value of 80%. In summary, the available evidence is currently insufficient to determine the role of this variant in disease. Therefore, it has been classified as a Variant of Uncertain Significance.